The following is an entry in ClinVar:

NM_005921.2(MAP3K1):c.2816C>G (p.Ser939Cys)

Gene: MAP3K1 (mitogen-activated protein kinase kinase kinase 1; plus strand). Cytogenetic location: 5q11.2.
Variant type: single nucleotide variant.
Coding change: c.2816C>G on transcript NM_005921.2 (MANE Select); coding-DNA position 2816, C replaced by G.
Protein change: p.Ser939Cys; replaces serine 939 with cysteine.
Molecular consequence: missense variant.
Genome position (GRCh38, 1-based): chr5:56,882,016, C>G. VCF-style: chr5-56882016-C-G. GRCh37 (hg19) VCF-style: chr5-56177843-C-G.
Other names: short protein forms S939C.
Identifiers: ClinVar variation 471692 (VCV000471692.37), dbSNP rs45556841, ClinGen allele CA3273064.

ClinVar aggregate classification (germline): Benign. Review status: criteria provided, multiple submitters, no conflicts (2 of 4 stars). 5 submissions from 5 submitters: Benign (3). 2 of the submissions do not count toward it. Last evaluated 2026-09-01.

Conditions:
46,XY sex reversal 6. Also called: 46,XY GONADAL DYSGENESIS, PARTIAL OR COMPLETE, MAP3K1-RELATED; 46,XY SEX REVERSAL, PARTIAL OR COMPLETE, MAP3K1-RELATED. Identifiers: MedGen C3151064, MONDO:0013410, OMIM 613762.

Allele frequency attached by ClinVar (database versions not stated): 1000 Genomes Project 30x 0.00718; 1000 Genomes Project 0.00739; ExAC 0.01515; gnomAD exomes 0.01579 and 0.02012; TOPMed 0.01648; ESP Exome Variant Server 0.01745; gnomAD 0.02796 and 0.02871.
gnomAD v4.1: 31,801 of 1,544,892 alleles (2.1%); highest among the groups gnomAD compares: Middle Eastern, 3.8%; 402 homozygotes.

Submissions (5):

CeGaT Center for Human Genetics Tuebingen
Classification: Benign. Last evaluated: 2026-09-01. Review status: criteria provided, single submitter. Criteria: CeGaT Center For Human Genetics Tuebingen Variant Classification Criteria Version 2. Collection method: clinical testing. Allele origin: germline. Affected: yes. Observed: 13 variant alleles.
Comment: MAP3K1: BP4, BS1, BS2

Labcorp Genetics (formerly Invitae), Labcorp
Classification: Benign for 46,XY sex reversal 6. Last evaluated: 2026-01-21. Review status: criteria provided, single submitter. Criteria: Invitae Variant Classification Sherloc (09022015). Collection method: clinical testing. Allele origin: germline.

Breakthrough Genomics
Classification: Benign. Review status: criteria provided, single submitter. Criteria: ACMG Guidelines, 2015. Collection method: not provided. Allele origin: germline. Inheritance: Autosomal dominant inheritance. Affected: yes.

Clinical Genetics DNA and cytogenetics Diagnostics Lab, Erasmus MC, Erasmus Medical Center
Classification: Benign. Review status: no assertion criteria provided. Collection method: clinical testing. Allele origin: germline. Affected: yes. Study: VKGL Data-share Consensus. Not counted in ClinVar's aggregate classification.

Laboratory of Diagnostic Genome Analysis, Leiden University Medical Center (LUMC)
Classification: Likely benign. Review status: no assertion criteria provided. Collection method: clinical testing. Allele origin: germline. Affected: yes. Study: VKGL Data-share Consensus. Not counted in ClinVar's aggregate classification.